The following is an entry in ClinVar:

ClinVar aggregate classification (germline): Uncertain significance (1 of 4 stars; one submission).

Allele frequency attached by ClinVar (database versions not stated): gnomAD 0.00003; TOPMed 0.00004; ExAC 0.00006; ESP Exome Variant Server 0.00008; 1000 Genomes Project 30x 0.00016; 1000 Genomes Project 0.00020.
gnomAD v4.1: 167 of 1,611,420 alleles (0.01%); highest among the groups gnomAD compares: Non-Finnish European, 0.013%; no homozygotes.

Submission:

Labcorp Genetics (formerly Invitae), Labcorp
Classification: Uncertain significance. Last evaluated: 2022-07-03. Review status: criteria provided, single submitter. Criteria: Invitae Variant Classification Sherloc (09022015). Collection method: clinical testing. Allele origin: germline.
Comment: This sequence change replaces glutamine, which is neutral and polar, with leucine, which is neutral and non-polar, at codon 398 of the GZF1 protein (p.Gln398Leu). This variant is present in population databases (rs144056913, gnomAD 0.01%). This variant has not been reported in the literature in individuals affected with GZF1-related conditions. Algorithms developed to predict the effect of missense changes on protein structure and function are either unavailable or do not agree on the potential impact of this missense change (SIFT: "Not Available"; PolyPhen-2: "Possibly Damaging"; Align-GVGD: "Not Available"). In summary, the available evidence is currently insufficient to determine the role of this variant in disease. Therefore, it has been classified as a Variant of Uncertain Significance.

NM_022482.5(GZF1):c.1193A>T (p.Gln398Leu)

Gene: GZF1 (GDNF inducible zinc finger protein 1; plus strand). Cytogenetic location: 20p11.21.
Variant type: single nucleotide variant.
Coding change: c.1193A>T on transcript NM_022482.5 (MANE Select); coding-DNA position 1193, A replaced by T.
Protein change: p.Gln398Leu; replaces glutamine 398 with leucine.
Molecular consequence: missense variant.
Genome position (GRCh38, 1-based): chr20:23,365,576, A>T. VCF-style: chr20-23365576-A-T. GRCh37 (hg19) VCF-style: chr20-23346213-A-T.
Other names: c.1193A>T, p.Gln398Leu (NM_001317012.2, NM_001317019.1); short protein forms Q398L.
Identifiers: ClinVar variation 2194894 (VCV002194894.3), dbSNP rs144056913, ClinGen allele CA9788655.